The following is an entry in ClinVar:

NM_001130987.2(DYSF):c.1984G>T (p.Gly662Trp)

Gene: DYSF (dysferlin; plus strand). Cytogenetic location: 2p13.2.
Variant type: single nucleotide variant.
Coding change: c.1984G>T on transcript NM_001130987.2 (MANE Select); coding-DNA position 1984, G replaced by T.
Protein change: p.Gly662Trp; replaces glycine 662 with tryptophan.
Molecular consequence: missense variant.
Genome position (GRCh38, 1-based): chr2:71,553,188, G>T. VCF-style: chr2-71553188-G-T. GRCh37 (hg19) VCF-style: chr2-71780318-G-T.
Other names: c.1933G>T, p.Gly645Trp (NM_001130455.2, NM_001130983.2); c.1888G>T, p.Gly630Trp (NM_001130976.2, NM_001130977.2); c.1930G>T, p.Gly644Trp (NM_001130978.2, NM_003494.4); c.2023G>T, p.Gly675Trp (NM_001130979.2); c.1981G>T, p.Gly661Trp (NM_001130980.2, NM_001130981.2); c.2026G>T, p.Gly676Trp (NM_001130982.2); c.1891G>T, p.Gly631Trp (NM_001130984.2, NM_001130986.2); c.1984G>T, p.Gly662Trp (NM_001130985.2); short protein forms G675W, G630W, G661W, G676W, G631W, G644W, G645W, G662W.
Identifiers: ClinVar variation 3722804 (VCV003722804.4).

ClinVar aggregate classification (germline): Uncertain significance. Review status: criteria provided, multiple submitters, no conflicts (2 of 4 stars). 2 submissions from 2 submitters: Uncertain significance (2). Last evaluated 2024-10-12.

Conditions:
Distal myopathy with anterior tibial onset. Identifiers: Orphanet 178400, MedGen C1847532, MONDO:0011721, OMIM 606768.
Autosomal recessive limb-girdle muscular dystrophy type 2B (LGMDR2). Also called: MUSCULAR DYSTROPHY, LIMB-GIRDLE, TYPE 3; Limb-girdle muscular dystrophy, type 2B; Limb-Girdle Muscular Dystrophy Type 2B (LGMD2B); MUSCULAR DYSTROPHY, LIMB-GIRDLE, AUTOSOMAL RECESSIVE 2. Identifiers: Orphanet 268, MedGen C1850889, MONDO:0009676, OMIM 253601.
Miyoshi muscular dystrophy 1 (MMD1). Identifiers: Orphanet 45448, MedGen C4551973, MONDO:0024545, OMIM 254130.
Neuromuscular disease caused by qualitative or quantitative defects of dysferlin. Also called: Qualitative or quantitative defects of dysferlin; Dysferlinopathy. Identifiers: Orphanet 207073, MedGen C2931687, MONDO:0016145.

Submissions (3):

Labcorp Genetics (formerly Invitae), Labcorp
Classification: Uncertain significance for Neuromuscular disease caused by qualitative or quantitative defects of dysferlin. Last evaluated: 2024-10-12. Review status: criteria provided, single submitter. Criteria: Invitae Variant Classification Sherloc (09022015). Collection method: clinical testing. Allele origin: germline.
Comment: This sequence change replaces glycine, which is neutral and non-polar, with tryptophan, which is neutral and slightly polar, at codon 644 of the DYSF protein (p.Gly644Trp). This variant also falls at the last nucleotide of exon 20, which is part of the consensus splice site for this exon. This variant is not present in population databases (gnomAD no frequency). This missense change has been observed in individual(s) with myopathy (PMID: 24803842). An algorithm developed to predict the effect of missense changes on protein structure and function (PolyPhen-2) suggests that this variant is likely to be disruptive. Variants that disrupt the consensus splice site are a relatively common cause of aberrant splicing (PMID: 17576681, 9536098). Algorithms developed to predict the effect of sequence changes on RNA splicing suggest that this variant may disrupt the consensus splice site. In summary, the available evidence is currently insufficient to determine the role of this variant in disease. Therefore, it has been classified as a Variant of Uncertain Significance.

Juno Genomics, Hangzhou Juno Genomics, Inc
Classification: Uncertain significance for Miyoshi muscular dystrophy 1; Autosomal recessive limb-girdle muscular dystrophy type 2B; Distal myopathy with anterior tibial onset. Review status: criteria provided, single submitter. Criteria: ACMG Guidelines, 2015. Collection method: clinical testing. Allele origin: germline. Affected: yes.
Comment: Absent from controls (or at extremely low frequency if recessive) in Genome Aggregation Database, Exome Sequencing Project, 1000 Genomes Project, or Exome Aggregation Consortium.;Multiple lines of computational evidence support a deleterious effect on the gene or gene product (conservation, evolutionary, splicing impact, etc).;Patient's phenotype or family history is highly specific for a disease with a single genetic etiology.

Dr. Peter K. Rogan Lab, Western University
No classification provided (evidence only). Condition: Malignant tumor of urinary bladder. Review status: no classification provided. Collection method: in vitro. Allele origin: not applicable. Functional consequence: retained intron. Not counted in ClinVar's aggregate classification.

Literature cited by the submitters: PubMed 24803842 (cited by Labcorp Genetics (formerly Invitae), Labcorp); PubMed 17576681 (cited by Labcorp Genetics (formerly Invitae), Labcorp); PubMed 9536098 (cited by Labcorp Genetics (formerly Invitae), Labcorp).